The following is an entry in ClinVar:

NM_181552.4(CUX1):c.3094C>A (p.Leu1032Ile)

Gene: CUX1 (cut like homeobox 1; plus strand). Cytogenetic location: 7q22.1.
Variant type: single nucleotide variant.
Coding change: c.3094C>A on transcript NM_181552.4 (MANE Select); coding-DNA position 3094, C replaced by A.
Protein change: p.Leu1032Ile; replaces leucine 1032 with isoleucine.
Molecular consequence: missense variant. On other transcripts: intron variant (5).
Genome position (GRCh38, 1-based): chr7:102,205,134, C>A. VCF-style: chr7-102205134-C-A. GRCh37 (hg19) VCF-style: chr7-101848414-C-A.
Other names: c.3127C>A, p.Leu1043Ile (NM_001202543.2); c.1255+9531C>A (NM_001913.5); c.1249+9531C>A (NM_181500.4); c.1117+9531C>A (NM_001202545.3); c.1207+9531C>A (NM_001202544.3); c.1138+9531C>A (NM_001202546.3); short protein forms L1043I, L1032I.
Identifiers: ClinVar variation 4008403 (VCV004008403.2).

ClinVar aggregate classification (germline): Uncertain significance. Review status: criteria provided, multiple submitters, no conflicts (2 of 4 stars). 2 submissions from 2 submitters: Uncertain significance (2). Last evaluated 2026-05-01.

Conditions:
CUX1-related disorder. Also called: CUX1-related condition.
Inborn genetic diseases. Identifiers: MedGen C0950123, MeSH D030342.

gnomAD v4.1: 1 of 1,611,898 alleles (0.000062%); highest among the groups gnomAD compares: African/African-American, 0.0013%; no homozygotes.

Submissions (2):

PreventionGenetics, part of Exact Sciences
Classification: Uncertain significance for CUX1-related condition. Last evaluated: 2026-05-01. Review status: criteria provided, single submitter. Criteria: ACMG Guidelines, 2015. Collection method: clinical testing. Allele origin: germline.
Comment: The CUX1 c.3127C>A variant is predicted to result in the amino acid substitution p.Leu1043Ile. To our knowledge, this variant has not been reported in the literature. This variant is reported in 0.0062% of alleles in individuals of African descent in gnomAD. At this time, the clinical significance of this variant is uncertain due to the absence of conclusive functional and genetic evidence.

Ambry Genetics
Classification: Uncertain significance for Inborn genetic diseases. Last evaluated: 2025-05-18. Review status: criteria provided, single submitter. Criteria: Ambry Variant Classification Scheme 2023. Collection method: clinical testing. Allele origin: germline.